The following is an entry in ClinVar:

NM_000257.4(MYH7):c.5660A>G (p.Glu1887Gly)

Gene: MYH7 (myosin heavy chain 7; minus strand). Cytogenetic location: 14q11.2.
Variant type: single nucleotide variant.
Coding change: c.5660A>G on transcript NM_000257.4 (MANE Select); coding-DNA position 5660, A replaced by G.
Protein change: p.Glu1887Gly; replaces glutamic acid 1887 with glycine.
Molecular consequence: missense variant.
Genome position (GRCh38, 1-based): chr14:23,413,889, T>C on the plus strand (A>G on the coding strand, the complement: MYH7 is on the minus strand). VCF-style: chr14-23413889-T-C. GRCh37 (hg19) VCF-style: chr14-23883098-T-C.
Other names: short protein forms E1887G.
Identifiers: ClinVar variation 43080 (VCV000043080.6), dbSNP rs375404554, ClinGen allele CA016357.
Genomic context (GRCh38, chr14:23,413,889, plus strand): 5'-TCTGCCTCATCCAGCTCGTGCTGCACCTTGCGGAACTTGGACAGGTTGGTGTTGGCTTGC[T>C]CCTCCTGCGGGAGGTGGGAGCATGAGGTGAGAGGGGGCCTGGGTTCTCAGACTCCTGGCT-3'
Protein context (NP_000248.2, residues 1877-1897): AYKRQAEEAE[Glu1887Gly]QANTNLSKFR

ClinVar aggregate classification (germline): Uncertain significance. Review status: criteria provided, multiple submitters, no conflicts (2 of 4 stars). 3 submissions from 3 submitters: Uncertain significance (3). Last evaluated 2025-11-05.

Conditions:
Cardiovascular phenotype. Identifiers: MedGen CN230736.
Hypertrophic cardiomyopathy. Also called: HYPERTROPHIC MYOCARDIOPATHY. Identifiers: Orphanet 217569, MedGen C0007194, MeSH D002312, MONDO:0005045, HP:0001639.

Allele frequency attached by ClinVar (database versions not stated): ExAC 0.00001; ESP Exome Variant Server 0.00008; TOPMed 0.00001; gnomAD 0.00002.
gnomAD v4.1: 3 of 1,614,108 alleles (0.00019%); highest among the groups gnomAD compares: African/African-American, 0.004%; no homozygotes.

Submissions (3):

Labcorp Genetics (formerly Invitae), Labcorp
Classification: Uncertain significance for Hypertrophic cardiomyopathy. Last evaluated: 2025-11-05. Review status: criteria provided, single submitter. Criteria: Invitae Variant Classification Sherloc (09022015). Collection method: clinical testing. Allele origin: germline.
Comment: This sequence change replaces glutamic acid, which is acidic and polar, with glycine, which is neutral and non-polar, at codon 1887 of the MYH7 protein (p.Glu1887Gly). This variant is present in population databases (rs375404554, gnomAD 0.007%). This missense change has been observed in individual(s) with MYH7-related conditions (PMID: 29247119, 33500567). ClinVar contains an entry for this variant (Variation ID: 43080). Invitae Evidence Modeling of protein sequence and biophysical properties (such as structural, functional, and spatial information, amino acid conservation, physicochemical variation, residue mobility, and thermodynamic stability) indicates that this missense variant is expected to disrupt MYH7 protein function with a positive predictive value of 95%. In summary, the available evidence is currently insufficient to determine the role of this variant in disease. Therefore, it has been classified as a Variant of Uncertain Significance.

Ambry Genetics
Classification: Uncertain significance for Cardiovascular phenotype. Last evaluated: 2019-01-09. Review status: criteria provided, single submitter. Criteria: Ambry Variant Classification Scheme 2023. Collection method: clinical testing. Allele origin: germline.

Laboratory for Molecular Medicine, Mass General Brigham Personalized Medicine
Classification: Uncertain significance. Last evaluated: 2014-01-17. Review status: criteria provided, single submitter. Criteria: LMM Criteria. Collection method: clinical testing. Allele origin: germline. Observed: 1 variant allele.
Comment: proposed classification - variant undergoing re-assessment, contact laboratory

Literature cited by the submitters: PubMed 29247119 (cited by Labcorp Genetics (formerly Invitae), Labcorp); PubMed 33500567 (cited by Labcorp Genetics (formerly Invitae), Labcorp).